The following is an entry in ClinVar:

ClinVar aggregate classification (germline): Uncertain significance. Review status: criteria provided, multiple submitters, no conflicts (2 of 4 stars). 3 submissions from 3 submitters: Uncertain significance (3). Last evaluated 2026-01-18.

Conditions:
TCF3-related disorder. Also called: TCF3-related condition.
Inborn genetic diseases. Identifiers: MedGen C0950123, MeSH D030342.

Allele frequency attached by ClinVar (database versions not stated): gnomAD exomes 0.00004; ExAC 0.00005; ESP Exome Variant Server 0.00008; TOPMed 0.00014; gnomAD 0.00016 and 0.00017; 1000 Genomes Project 0.00060; 1000 Genomes Project 30x 0.00094.
gnomAD v4.1: 43 of 1,613,570 alleles (0.0027%); highest among the groups gnomAD compares: African/African-American, 0.043%; no homozygotes.

Submissions (3):

Labcorp Genetics (formerly Invitae), Labcorp
Classification: Uncertain significance. Last evaluated: 2026-01-18. Review status: criteria provided, single submitter. Criteria: Invitae Variant Classification Sherloc (09022015). Collection method: clinical testing. Allele origin: germline.
Comment: This sequence change replaces asparagine, which is neutral and polar, with histidine, which is basic and polar, at codon 649 of the TCF3 protein (p.Asn649His). This variant is present in population databases (rs372296344, gnomAD 0.06%). This variant has not been reported in the literature in individuals affected with TCF3-related conditions. ClinVar contains an entry for this variant (Variation ID: 1045821). Invitae Evidence Modeling of protein sequence and biophysical properties (such as structural, functional, and spatial information, amino acid conservation, physicochemical variation, residue mobility, and thermodynamic stability) has been performed for this missense variant. However, the output from this modeling did not meet the statistical confidence thresholds required to predict the impact of this variant on TCF3 protein function. In summary, the available evidence is currently insufficient to determine the role of this variant in disease. Therefore, it has been classified as a Variant of Uncertain Significance.

Ambry Genetics
Classification: Uncertain significance for Inborn genetic diseases. Last evaluated: 2025-08-05. Review status: criteria provided, single submitter. Criteria: Ambry Variant Classification Scheme 2023. Collection method: clinical testing. Allele origin: germline.

PreventionGenetics, part of Exact Sciences
Classification: Uncertain significance for TCF3-related condition. Last evaluated: 2022-12-29. Review status: criteria provided, single submitter. Criteria: ACMG Guidelines, 2015. Collection method: clinical testing. Allele origin: germline.
Comment: The TCF3 c.1945A>C variant is predicted to result in the amino acid substitution p.Asn649His. To our knowledge, this variant has not been reported in the literature. This variant is reported in 0.060% of alleles in individuals of African descent in gnomAD. At this time, the clinical significance of this variant is uncertain due to the absence of conclusive functional and genetic evidence.

NM_003200.5(TCF3):c.1945A>C (p.Asn649His)

Gene: TCF3 (transcription factor 3; minus strand). Cytogenetic location: 19p13.3.
Variant type: single nucleotide variant.
Coding change: c.1945A>C on transcript NM_003200.5 (MANE Select); coding-DNA position 1945, A replaced by C.
Protein change: p.Asn649His; replaces asparagine 649 with histidine.
Molecular consequence: missense variant.
Genome position (GRCh38, 1-based): chr19:1,611,727, T>G on the plus strand (A>C on the coding strand, the complement: TCF3 is on the minus strand). VCF-style: chr19-1611727-T-G. GRCh37 (hg19) VCF-style: chr19-1611726-T-G.
Other names: c.1936A>C, p.Asn646His (NM_001136139.4, NM_001351779.2); c.1942A>C, p.Asn648His (NM_001351778.2); c.1945A>C (NM_003200.3); short protein forms N646H, N648H, N649H.
Identifiers: ClinVar variation 1045821 (VCV001045821.8), dbSNP rs372296344, ClinGen allele CA9049500.